The following is an entry in ClinVar:

NM_032271.3(TRAF7):c.1543_1545del (p.Glu515del)

Gene: TRAF7 (TNF receptor associated factor 7; plus strand). Cytogenetic location: 16p13.3.
Variant type: Deletion.
Coding change: c.1543_1545del on transcript NM_032271.3 (MANE Select); coding-DNA positions 1543 to 1545, 3 bases deleted (GAG; older notation c.1543_1545delGAG).
Protein change: p.Glu515del; deletes glutamic acid 515.
Genome position (GRCh38, 1-based): chr16:2,175,539-2,175,541, GAG deleted; deleting any 3 consecutive bases within chr16:2,175,537-2,175,541 gives the same sequence; the c. name uses the placement nearest the transcript's 3' end. VCF-style (leftmost placement, unchanged base first): chr16-2175536-AAGG-A. GRCh37 (hg19) VCF-style: chr16-2225537-AAGG-A.
Other names: short protein forms E515del.
Identifiers: ClinVar variation 4850104 (VCV004850104.1).

ClinVar aggregate classification (germline): Likely pathogenic (1 of 4 stars; one submission).

Conditions:
Cardiac, facial, and digital anomalies with developmental delay. Identifiers: Orphanet 592570, MedGen C4748484, MONDO:0032572, OMIM 618164.

Submission:

Institute for Clinical Genetics, University Hospital TU Dresden, University Hospital TU Dresden
Classification: Likely pathogenic for Cardiac, facial, and digital anomalies with developmental delay. Last evaluated: 2023-12-21. Review status: criteria provided, single submitter. Criteria: ACMG Guidelines, 2015. Collection method: clinical testing. Allele origin: de novo. Affected: yes.
Comment: The above-mentioned in-frame deletion in the TRAF7 gene (NM_032271.3:c.1543_1545del, p.(Glu515del)) leads to a loss of one amino acid at position 515 in the corresponding protein due to a loss of three nucleotides while maintaining the reading frame. Bioinformatic prediction algorithms (MutationTaster2021) estimate the effect of the variant on protein function as deleterious, which has not yet been functionally investigated. In the gnomAD database, this variant has not yet been found in healthy individuals. The variant localizes in one of the functionally critical C-terminal WD40 domains, in which numerous pathogenic missense variants cluster (PMID: 32376980). This variant is not yet listed in the ClinVar database of phenotypically conspicuous individuals, nor in the population database gnomAD v4.1.0. The phenotypic abnormalities of the index person (facial aspect, periventricular medullary lesions, inverted nipples, malnutrition with pronounced dysphagia) are specific for a TRAF7-associated disease. According to current ACMG recommendations for variant assessment (PMID 25741868), the criteria PS2_MOD, PM2_SUP , PM4_SUP, PM1 and PP4 are fulfilled, resulting in an assessment as a probable pathogenic variant (ACMG class 4).